The following is an entry in ClinVar:

ClinVar aggregate classification (germline): Uncertain significance (1 of 4 stars; one submission).

Conditions:
Primary ciliary dyskinesia. Also called: Ciliary dyskinesia. Identifiers: Orphanet 244, MedGen C0008780, MONDO:0016575, HP:0012265.

Submission:

Labcorp Genetics (formerly Invitae), Labcorp
Classification: Uncertain significance for Primary ciliary dyskinesia. Last evaluated: 2022-02-28. Review status: criteria provided, single submitter. Criteria: Invitae Variant Classification Sherloc (09022015). Collection method: clinical testing. Allele origin: germline.
Comment: In summary, the available evidence is currently insufficient to determine the role of this variant in disease. Therefore, it has been classified as a Variant of Uncertain Significance. Algorithms developed to predict the effect of sequence changes on RNA splicing suggest that this variant may create or strengthen a splice site. Algorithms developed to predict the effect of missense changes on protein structure and function are either unavailable or do not agree on the potential impact of this missense change (SIFT: "Deleterious"; PolyPhen-2: "Not Available"; Align-GVGD: "Class C0"). This variant has not been reported in the literature in individuals affected with DNAH8-related conditions. This variant is not present in population databases (gnomAD no frequency). This sequence change replaces proline, which is neutral and non-polar, with glutamine, which is neutral and polar, at codon 1823 of the DNAH8 protein (p.Pro1823Gln).

NM_001206927.2(DNAH8):c.5468C>A (p.Pro1823Gln)

Gene: DNAH8 (dynein axonemal heavy chain 8; plus strand). Cytogenetic location: 6p21.2.
Variant type: single nucleotide variant.
Coding change: c.5468C>A on transcript NM_001206927.2 (MANE Select); coding-DNA position 5468, C replaced by A.
Protein change: p.Pro1823Gln; replaces proline 1823 with glutamine.
Molecular consequence: missense variant.
Genome position (GRCh38, 1-based): chr6:38,852,695, C>A. VCF-style: chr6-38852695-C-A. GRCh37 (hg19) VCF-style: chr6-38820471-C-A.
Other names: c.4817C>A, p.Pro1606Gln (NM_001371.4); short protein forms P1823Q, P1606Q.
Identifiers: ClinVar variation 2104820 (VCV002104820.4), dbSNP rs201197291, ClinGen allele CA364014166.